The following is an entry in ClinVar:

NM_001127222.2(CACNA1A):c.2105-2A>G

Gene: CACNA1A (calcium voltage-gated channel subunit alpha1 A; minus strand). Cytogenetic location: 19p13.13.
Variant type: single nucleotide variant.
Coding change: c.2105-2A>G on transcript NM_001127222.2 (MANE Select); the canonical splice acceptor site of the intron before coding-DNA position 2105, A replaced by G.
Molecular consequence: splice acceptor variant.
Genome position (GRCh38, 1-based): chr19:13,303,615, T>C on the plus strand (A>G on the coding strand, the complement: CACNA1A is on the minus strand). VCF-style: chr19-13303615-T-C. GRCh37 (hg19) VCF-style: chr19-13414429-T-C.
Other names: c.2108-2A>G (NM_001127221.2, NM_001174080.2, NM_000068.4 and 1 more transcripts).
Identifiers: ClinVar variation 804599 (VCV000804599.4), dbSNP rs906086634, ClinGen allele CA305508429.
Genomic context (GRCh38, chr19:13,303,615, plus strand): 5'-CTCCTGGGCGTTGGCCAGATTGTCCACAGCGATGGCCAAGAACACATTCAGGAGGGTGTC[T>C]GCAAATGTCTGAGTCAGGAAAAGCAACCACTGGTGGGACACCACTTGGGCCCTGGGTATC-3'

ClinVar aggregate classification (germline): Likely pathogenic. Review status: criteria provided, multiple submitters, no conflicts (2 of 4 stars). 2 submissions from 2 submitters: Likely pathogenic (2). Last evaluated 2023-06-11.

Conditions:
Episodic ataxia type 2 (EA2). Also called: EPISODIC ATAXIA, NYSTAGMUS-ASSOCIATED; ATAXIA, EPISODIC, WITH NYSTAGMUS; ATAXIA, FAMILIAL PAROXYSMAL; CEREBELLAR ATAXIA, PAROXYSMAL, ACETAZOLAMIDE-RESPONSIVE; CEREBELLOPATHY, HEREDITARY PAROXYSMAL; ACETAZOLAMIDE-RESPONSIVE HEREDITARY PAROXYSMAL CEREBELLAR ATAXIA. Identifiers: Orphanet 97, MedGen C1720416, MONDO:0007163, OMIM 108500.
Developmental and epileptic encephalopathy, 42 (DEE42A). Also called: Epileptic encephalopathy, early infantile, 42; DEVELOPMENTAL AND EPILEPTIC ENCEPHALOPATHY 42A; EPILEPTIC ENCEPHALOPATHY, EARLY INFANTILE, 42A. Identifiers: MedGen C4310716, MONDO:0014917, OMIM 617106.

Allele frequency attached by ClinVar (database versions not stated): gnomAD exomes below 0.00001; TOPMed below 0.00001; gnomAD 0.00001.
gnomAD v4.1: 3 of 1,611,538 alleles (0.00019%); highest among the groups gnomAD compares: African/African-American, 0.004%; no homozygotes.

Submissions (2):

Labcorp Genetics (formerly Invitae), Labcorp
Classification: Likely pathogenic for Developmental and epileptic encephalopathy, 42; Episodic ataxia type 2. Last evaluated: 2023-06-11. Review status: criteria provided, single submitter. Criteria: Invitae Variant Classification Sherloc (09022015). Collection method: clinical testing. Allele origin: germline.
Comment: This variant is present in population databases (no rsID available, gnomAD 0.007%). In summary, the currently available evidence indicates that the variant is pathogenic, but additional data are needed to prove that conclusively. Therefore, this variant has been classified as Likely Pathogenic. ClinVar contains an entry for this variant (Variation ID: 804599). This variant has not been reported in the literature in individuals affected with CACNA1A-related conditions. This sequence change affects an acceptor splice site in intron 16 of the CACNA1A gene. It is expected to disrupt RNA splicing. Variants that disrupt the donor or acceptor splice site typically lead to a loss of protein function (PMID: 16199547), and loss-of-function variants in CACNA1A are known to be pathogenic (PMID: 10371528, 19486177, 25735478, 27250579).

Athena Diagnostics
Classification: Likely pathogenic. Last evaluated: 2018-11-23. Review status: criteria provided, single submitter. Criteria: Athena Diagnostics Criteria. Collection method: clinical testing. Allele origin: germline.
Comment: The variant disrupts a canonical splice site, and is therefore predicted to result in the loss of a functional protein. The best available variant frequency is uninformative because there are too few occurrences in population data.

Literature cited by the submitters: PubMed 16199547 (cited by Labcorp Genetics (formerly Invitae), Labcorp); PubMed 10371528 (cited by Labcorp Genetics (formerly Invitae), Labcorp); PubMed 19486177 (cited by Labcorp Genetics (formerly Invitae), Labcorp); PubMed 25735478 (cited by Labcorp Genetics (formerly Invitae), Labcorp); PubMed 27250579 (cited by Labcorp Genetics (formerly Invitae), Labcorp).